The following is an entry in ClinVar:

ClinVar aggregate classification (germline): Uncertain significance (1 of 4 stars; one submission).

gnomAD v4.1: 1 of 1,614,046 alleles (0.000062%); no homozygotes.

Submission:

Women's Health and Genetics/Laboratory Corporation of America, LabCorp
Classification: Uncertain significance. Last evaluated: 2022-05-13. Review status: criteria provided, single submitter. Criteria: LabCorp Variant Classification Summary - May 2015. Collection method: clinical testing. Allele origin: germline.
Comment: Variant summary: ALMS1 c.557A>T/p.Asp186Val (also known as c.560A>T/p.Asp187Val in RefSeq) results in a non-conservative amino acid change in the encoded protein sequence. Three of five in-silico tools predict a damaging effect of the variant on protein function. The variant was absent in 248972 control chromosomes. The available data on variant occurrences in the general population are insufficient to allow any conclusion about variant significance. To our knowledge, no occurrence of c.557A>T in individuals affected with Alstrom Syndrome and no experimental evidence demonstrating its impact on protein function have been reported. No clinical diagnostic laboratories have submitted clinical-significance assessments for this variant to ClinVar after 2014. Based on the evidence outlined above, the variant was classified as uncertain significance.

NM_001378454.1(ALMS1):c.557A>T (p.Asp186Val)

Gene: ALMS1 (ALMS1 centrosome and basal body associated protein; plus strand). Cytogenetic location: 2p13.1.
Variant type: single nucleotide variant.
Coding change: c.557A>T on transcript NM_001378454.1 (MANE Select); coding-DNA position 557, A replaced by T.
Protein change: p.Asp186Val; replaces aspartic acid 186 with valine.
Molecular consequence: missense variant.
Genome position (GRCh38, 1-based): chr2:73,419,229, A>T. VCF-style: chr2-73419229-A-T. GRCh37 (hg19) VCF-style: chr2-73646357-A-T.
Other names: c.560A>T, p.Asp187Val (NM_015120.4); short protein forms D186V, D187V.
Identifiers: ClinVar variation 1696330 (VCV001696330.1), dbSNP rs375830111, ClinGen allele CA347259105.